The following is an entry in ClinVar:

ClinVar aggregate classification (germline): Uncertain significance (1 of 4 stars; one submission).

Conditions:
Charcot-Marie-Tooth disease type 4. Also called: Charcot-Marie-Tooth disease, type IV; Charcot-Marie-Tooth, Type 4. Identifiers: Orphanet 64749, MedGen C4082197, MONDO:0018995.

Allele frequency attached by ClinVar (database versions not stated): gnomAD 0.00001; gnomAD exomes 0.00001; TOPMed 0.00001.
gnomAD v4.1: 10 of 1,599,806 alleles (0.00063%); highest among the groups gnomAD compares: African/African-American, 0.0013%; no homozygotes.

Submission:

Labcorp Genetics (formerly Invitae), Labcorp
Classification: Uncertain significance for Charcot-Marie-Tooth disease type 4. Last evaluated: 2024-05-31. Review status: criteria provided, single submitter. Criteria: Invitae Variant Classification Sherloc (09022015). Collection method: clinical testing. Allele origin: germline.
Comment: This sequence change replaces leucine, which is neutral and non-polar, with phenylalanine, which is neutral and non-polar, at codon 1281 of the PRX protein (p.Leu1281Phe). This variant is not present in population databases (gnomAD no frequency). This variant has not been reported in the literature in individuals affected with PRX-related conditions. ClinVar contains an entry for this variant (Variation ID: 1404087). Advanced modeling of protein sequence and biophysical properties (such as structural, functional, and spatial information, amino acid conservation, physicochemical variation, residue mobility, and thermodynamic stability) performed at Invitae indicates that this missense variant is not expected to disrupt PRX protein function with a negative predictive value of 80%. In summary, the available evidence is currently insufficient to determine the role of this variant in disease. Therefore, it has been classified as a Variant of Uncertain Significance.

NM_181882.3(PRX):c.3841C>T (p.Leu1281Phe)

Gene: PRX (periaxin; minus strand). Cytogenetic location: 19q13.2.
Variant type: single nucleotide variant.
Coding change: c.3841C>T on transcript NM_181882.3 (MANE Select); coding-DNA position 3841, C replaced by T.
Protein change: p.Leu1281Phe; replaces leucine 1281 with phenylalanine.
Molecular consequence: missense variant. On other transcripts: 3 prime UTR variant (1).
Genome position (GRCh38, 1-based): chr19:40,394,511, G>A on the plus strand (C>T on the coding strand, the complement: PRX is on the minus strand). VCF-style: chr19-40394511-G-A. GRCh37 (hg19) VCF-style: chr19-40900418-G-A.
Other names: c.*4046C>T (NM_020956.2); short protein forms L1281F.
Identifiers: ClinVar variation 1404087 (VCV001404087.7), dbSNP rs2079410935, ClinGen allele CA405891974.